The following is an entry in ClinVar:

ClinVar aggregate classification (germline): Uncertain significance (1 of 4 stars; one submission).

Conditions:
Developmental and epileptic encephalopathy, 23 (DEE23). Also called: Epileptic encephalopathy, early infantile, 23. Identifiers: Orphanet 411986, MedGen C4014492, MONDO:0014371, OMIM 615859.

gnomAD v4.1: 1 of 1,613,932 alleles (0.000062%); no homozygotes.

Submission:

Labcorp Genetics (formerly Invitae), Labcorp
Classification: Uncertain significance for Developmental and epileptic encephalopathy, 23. Last evaluated: 2022-06-27. Review status: criteria provided, single submitter. Criteria: Invitae Variant Classification Sherloc (09022015). Collection method: clinical testing. Allele origin: germline.
Comment: This sequence change replaces serine, which is neutral and polar, with asparagine, which is neutral and polar, at codon 1327 of the DOCK7 protein (p.Ser1327Asn). In summary, the available evidence is currently insufficient to determine the role of this variant in disease. Therefore, it has been classified as a Variant of Uncertain Significance. Algorithms developed to predict the effect of missense changes on protein structure and function (SIFT, PolyPhen-2, Align-GVGD) all suggest that this variant is likely to be tolerated. This variant has not been reported in the literature in individuals affected with DOCK7-related conditions. This variant is not present in population databases (gnomAD no frequency).

NM_001367561.1(DOCK7):c.3980G>A (p.Ser1327Asn)

Gene: DOCK7 (dedicator of cytokinesis 7; minus strand). Cytogenetic location: 1p31.3.
Variant type: single nucleotide variant.
Coding change: c.3980G>A on transcript NM_001367561.1 (MANE Select); coding-DNA position 3980, G replaced by A.
Protein change: p.Ser1327Asn; replaces serine 1327 with asparagine.
Molecular consequence: missense variant.
Genome position (GRCh38, 1-based): chr1:62,513,855, C>T on the plus strand (G>A on the coding strand, the complement: DOCK7 is on the minus strand). VCF-style: chr1-62513855-C-T. GRCh37 (hg19) VCF-style: chr1-62979526-C-T.
Other names: c.3980G>A, p.Ser1327Asn (NM_001271999.2, NM_001330614.2); c.3887G>A, p.Ser1296Asn (NM_001272000.2, NM_001272001.2, NM_033407.4); short protein forms S1296N, S1327N.
Identifiers: ClinVar variation 2011568 (VCV002011568.4), dbSNP rs2524393853, ClinGen allele CA340625531.
Genomic context (GRCh38, chr1:62,513,855, plus strand): 5'-CACTTCTGTAGAACTGTTTCATCTGCATTTTTGAGAACCCAAAGTAGACAGATCAAAAGG[C>T]TTCGACTTGATTCTGCTGAAAAGGTAGTGTGTTGCCTGCCACTCTGAAAATAAAGAGCAG-3'
Protein context (NP_001354490.1, residues 1317-1337): HTTFSAESSR[Ser1327Asn]LLICLLWVLK